The following is an entry in ClinVar:

NM_004336.5(BUB1):c.1370A>G (p.Gln457Arg)

Gene: BUB1 (BUB1 mitotic checkpoint serine/threonine kinase; minus strand). Cytogenetic location: 2q13.
Variant type: single nucleotide variant.
Coding change: c.1370A>G on transcript NM_004336.5 (MANE Select); coding-DNA position 1370, A replaced by G.
Protein change: p.Gln457Arg; replaces glutamine 457 with arginine.
Molecular consequence: missense variant.
Genome position (GRCh38, 1-based): chr2:110,658,649, T>C on the plus strand (A>G on the coding strand, the complement: BUB1 is on the minus strand). VCF-style: chr2-110658649-T-C. GRCh37 (hg19) VCF-style: chr2-111416226-T-C.
Other names: c.1310A>G, p.Gln437Arg (NM_001278616.2); c.1370A>G, p.Gln457Arg (NM_001278617.2); short protein forms Q437R, Q457R.
Identifiers: ClinVar variation 1771027 (VCV001771027.2), dbSNP rs2468010296, ClinGen allele CA348212571.

ClinVar aggregate classification (germline): Uncertain significance (1 of 4 stars; one submission).

Submission:

Ambry Genetics
Classification: Uncertain significance. Last evaluated: 2021-12-11. Review status: criteria provided, single submitter. Criteria: Ambry Variant Classification Scheme 2023. Collection method: clinical testing. Allele origin: germline.
Comment: The p.Q457R variant (also known as c.1370A>G), located in coding exon 12 of the BUB1 gene, results from an A to G substitution at nucleotide position 1370. The glutamine at codon 457 is replaced by arginine, an amino acid with highly similar properties. This amino acid position is conserved. In addition, this alteration is predicted to be tolerated by in silico analysis. Since supporting evidence is limited at this time, the clinical significance of this alteration remains unclear.